The following is an entry in ClinVar:

ClinVar aggregate classification (germline): Uncertain significance (1 of 4 stars; one submission).

Conditions:
Inborn genetic diseases. Identifiers: MedGen C0950123, MeSH D030342.

Submission:

Ambry Genetics
Classification: Uncertain significance for Inborn genetic diseases. Last evaluated: 2026-05-18. Review status: criteria provided, single submitter. Criteria: Ambry Variant Classification Scheme 2023. Collection method: clinical testing. Allele origin: germline.
Comment: The c.1917G>T (p.Q639H) alteration is located in exon 16 (coding exon 15) of the FOXP2 gene. This alteration results from a G to T substitution at nucleotide position 1917, causing the glutamine (Q) at amino acid position 639 to be replaced by a histidine (H). This variant was not reported in population-based cohorts in the Genome Aggregation Database (gnomAD). This amino acid position is well conserved in available vertebrate species. The in silico prediction for this alteration is inconclusive. Based on insufficient or conflicting evidence, the clinical significance of this alteration remains unclear.

NM_014491.4(FOXP2):c.1917G>T (p.Gln639His)

Gene: FOXP2 (forkhead box P2; plus strand). Cytogenetic location: 7q31.1.
Variant type: single nucleotide variant.
Coding change: c.1917G>T on transcript NM_014491.4 (MANE Select); coding-DNA position 1917, G replaced by T.
Protein change: p.Gln639His; replaces glutamine 639 with histidine.
Molecular consequence: missense variant. On other transcripts: non-coding transcript variant (2).
Genome position (GRCh38, 1-based): chr7:114,664,350, G>T. VCF-style: chr7-114664350-G-T. GRCh37 (hg19) VCF-style: chr7-114304405-G-T.
Other names: c.1914G>T, p.Gln638His (NM_001172766.3); c.1992G>T, p.Gln664His (NM_148898.4); c.1968G>T, p.Gln656His (NM_148900.4); short protein forms Q638H, Q639H, Q656H, Q664H.
Identifiers: ClinVar variation 4871527 (VCV004871527.1).